The following is an entry in ClinVar:

ClinVar aggregate classification (germline): Conflicting classifications of pathogenicity. Review status: criteria provided, conflicting classifications (1 of 4 stars). 4 submissions from 4 submitters: Uncertain significance (3); Likely benign (1). Last evaluated 2024-10-10.

Conditions:
Intellectual developmental disorder, autosomal recessive 74 (MRT74). Also called: Sotos syndrome 3. Identifiers: MedGen C4310684, MONDO:0014951, OMIM 617169.
Inborn genetic diseases. Identifiers: MedGen C0950123, MeSH D030342.

Allele frequency attached by ClinVar (database versions not stated): gnomAD 0.00008; gnomAD exomes 0.00009; ExAC 0.00012; TOPMed 0.00014; 1000 Genomes Project 0.00020; 1000 Genomes Project 30x 0.00031.
gnomAD v4.1: 142 of 1,610,440 alleles (0.0088%); highest among the groups gnomAD compares: Admixed American, 0.043%; no homozygotes.

Submissions (4):

Victorian Clinical Genetics Services, Murdoch Childrens Research Institute
Classification: Uncertain significance for Intellectual developmental disorder, autosomal recessive 74. Last evaluated: 2024-10-10. Review status: criteria provided, single submitter. Criteria: ACMG Guidelines, 2015. Collection method: clinical testing. Allele origin: germline. Inheritance: Autosomal recessive inheritance. Affected: yes.
Comment: Based on the classification scheme VCGS_Germline_v1.3.5, this variant is classified as VUS-3B. Following criteria are met: 0102 - Loss of function is a known mechanism of disease in this gene and is associated with cortical dysplasia, complex, with other brain malformations 10 (MIM#618677) and intellectual developmental disorder, autosomal recessive 74 (MIM#617169). (I) 0106 - This gene is associated with autosomal recessive disease. (I) 0115 - Variants in this gene are known to have variable expressivity. Intra-familial variability has been reported (PMID: 31585108). (I) 0200 - Variant is predicted to result in a missense amino acid change from arginine to glutamine. (I) 0251 - This variant is heterozygous. (I) 0304 - Variant is present in gnomAD <0.01 for a recessive condition (v4; 142 heterozygotes, 0 homozygotes). (SP) 0309 - An alternative amino acid change at the same position has been observed in gnomAD (v4; 30 heterozygotes, 0 homozygotes). (I) 0502 - Missense variant with conflicting in silico predictions and uninformative conservation. (I) 0604 - Variant is not located in an established domain, motif, hotspot or informative constraint region. (I) 0710 - Another missense variants comparable to the one identified in this case has inconclusive previous evidence for pathogenicity. p.(Arg543Trp) has been reported once as a VUS (ClinVar). (I) 0809 - Previous evidence of pathogenicity for this variant is inconclusive. This variant has been reported three times as a VUS (ClinVar). (I) 0905 - No published segregation evidence has been identified for this variant. (I) 1007 - No published functional evidence has been identified for this variant. (I) Legend: (SP) - Supporting pathogenic, (I) - Information, (SB) - Supporting benign

Ambry Genetics
Classification: Likely benign for Inborn genetic diseases. Last evaluated: 2024-07-08. Review status: criteria provided, single submitter. Criteria: Ambry Variant Classification Scheme 2023. Collection method: clinical testing. Allele origin: germline.

Labcorp Genetics (formerly Invitae), Labcorp
Classification: Uncertain significance. Last evaluated: 2022-08-11. Review status: criteria provided, single submitter. Criteria: Invitae Variant Classification Sherloc (09022015). Collection method: clinical testing. Allele origin: germline.
Comment: This sequence change replaces arginine, which is basic and polar, with glutamine, which is neutral and polar, at codon 543 of the APC2 protein (p.Arg543Gln). This variant is present in population databases (rs568333498, gnomAD 0.06%). This variant has not been reported in the literature in individuals affected with APC2-related conditions. Algorithms developed to predict the effect of missense changes on protein structure and function (SIFT, PolyPhen-2, Align-GVGD) all suggest that this variant is likely to be tolerated. Algorithms developed to predict the effect of sequence changes on RNA splicing suggest that this variant may create or strengthen a splice site. In summary, the available evidence is currently insufficient to determine the role of this variant in disease. Therefore, it has been classified as a Variant of Uncertain Significance.

Breakthrough Genomics
Classification: Uncertain significance. Review status: criteria provided, single submitter. Criteria: ACMG Guidelines, 2015. Collection method: not provided. Allele origin: germline. Inheritance: Autosomal recessive inheritance. Affected: yes.

Literature cited by the submitters: PubMed 31585108 (cited by Victorian Clinical Genetics Services, Murdoch Childrens Research Institute).

NM_005883.3(APC2):c.1628G>A (p.Arg543Gln)

Gene: APC2 (APC regulator of WNT signaling pathway 2; plus strand). Cytogenetic location: 19p13.3.
Variant type: single nucleotide variant.
Coding change: c.1628G>A on transcript NM_005883.3 (MANE Select); coding-DNA position 1628, G replaced by A.
Protein change: p.Arg543Gln; replaces arginine 543 with glutamine.
Molecular consequence: missense variant.
Genome position (GRCh38, 1-based): chr19:1,461,143, G>A. VCF-style: chr19-1461143-G-A. GRCh37 (hg19) VCF-style: chr19-1461142-G-A.
Other names: c.1625G>A, p.Arg542Gln (NM_001351273.1); c.1628G>A (NM_005883.2); short protein forms R543Q, R542Q.
Identifiers: ClinVar variation 2191297 (VCV002191297.5), dbSNP rs568333498, ClinGen allele CA9045182.